The following is an entry in ClinVar:

ClinVar aggregate classification (germline): Uncertain significance (1 of 4 stars; one submission).

Submission:

GeneDx
Classification: Uncertain significance. Last evaluated: 2025-05-13. Review status: criteria provided, single submitter. Criteria: GeneDx Variant Classification Process June 2021. Collection method: clinical testing. Allele origin: germline. Affected: yes.
Comment: Not observed at significant frequency in large population cohorts (gnomAD); In-frame deletion of 1 amino acid(s) in a non-repeat region; In silico analysis supports a deleterious effect on protein structure/function; Has not been previously published as pathogenic or benign to our knowledge

NM_001385012.1(NBEA):c.6518_6520del (p.Ile2173del)

Gene: NBEA (neurobeachin; plus strand). Cytogenetic location: 13q13.3.
Variant type: Deletion.
Coding change: c.6518_6520del on transcript NM_001385012.1 (MANE Select); coding-DNA positions 6518 to 6520, 3 bases deleted (TCA; older notation c.6518_6520delTCA).
Protein change: p.Ile2173del; deletes isoleucine 2173.
Molecular consequence: inframe deletion.
Genome position (GRCh38, 1-based): chr13:35,472,469-35,472,471, TCA deleted; deleting any 3 consecutive bases within chr13:35,472,467-35,472,471 gives the same sequence; the c. name uses the placement nearest the transcript's 3' end. VCF-style (leftmost placement, unchanged base first): chr13-35472466-CCAT-C. GRCh37 (hg19) VCF-style: chr13-36046603-CCAT-C.
Other names: c.6509_6511del, p.Ile2170del (NM_001379245.1); c.6518_6520del, p.Ile2173del (NM_015678.5); short protein forms I2170del, I2173del.
Identifiers: ClinVar variation 4529757 (VCV004529757.1).